The following is an entry in ClinVar:

ClinVar aggregate classification (germline): Uncertain significance (1 of 4 stars; one submission).

Conditions:
Early-infantile DEE. Also called: Early infantile epileptic encephalopathy; Ohtahara syndrome; Early infantile epileptic encephalopathy with suppression bursts. Identifiers: Orphanet 1934, MedGen C0393706, MONDO:0800491.

Submission:

Labcorp Genetics (formerly Invitae), Labcorp
Classification: Uncertain significance for Early-infantile DEE. Last evaluated: 2021-05-08. Review status: criteria provided, single submitter. Criteria: Invitae Variant Classification Sherloc (09022015). Collection method: clinical testing. Allele origin: germline.
Comment: This sequence change replaces methionine with threonine at codon 524 of the SCN8A protein (p.Met524Thr). The methionine residue is highly conserved and there is a moderate physicochemical difference between methionine and threonine. This variant is not present in population databases (ExAC no frequency). This variant has not been reported in the literature in individuals with SCN8A-related conditions. Algorithms developed to predict the effect of missense changes on protein structure and function (SIFT, PolyPhen-2, Align-GVGD) all suggest that this variant is likely to be tolerated, but these predictions have not been confirmed by published functional studies and their clinical significance is uncertain. In summary, the available evidence is currently insufficient to determine the role of this variant in disease. Therefore, it has been classified as a Variant of Uncertain Significance.

NM_001330260.2(SCN8A):c.1571T>C (p.Met524Thr)

Gene: SCN8A (sodium voltage-gated channel alpha subunit 8; plus strand). Cytogenetic location: 12q13.13.
Variant type: single nucleotide variant.
Coding change: c.1571T>C on transcript NM_001330260.2 (MANE Select); coding-DNA position 1571, T replaced by C.
Protein change: p.Met524Thr; replaces methionine 524 with threonine.
Molecular consequence: missense variant.
Genome position (GRCh38, 1-based): chr12:51,706,651, T>C. VCF-style: chr12-51706651-T-C. GRCh37 (hg19) VCF-style: chr12-52100435-T-C.
Other names: c.1571T>C, p.Met524Thr (NM_001177984.3, NM_001369788.1, NM_014191.4); short protein forms M524T.
Identifiers: ClinVar variation 1394546 (VCV001394546.9), dbSNP rs2138750677, ClinGen allele CA385229102.
Genomic context (GRCh38, chr12:51,706,651, plus strand): 5'-CTGAAGGAGAGGAGAAAGGGGATCCCGAGAAGGTGTTTAAGTCAGAGTCAGAAGATGGCA[T>C]GAGAAGGAAGGCCTTTCGGCTGCCAGACAACAGAATAGGGAGGAAATTTTCCATCATGAA-3'
Protein context (NP_001317189.1, residues 514-534): KVFKSESEDG[Met524Thr]RRKAFRLPDN